The following is an entry in ClinVar:

ClinVar aggregate classification (germline): Likely benign (1 of 4 stars; one submission).

Allele frequency attached by ClinVar (database versions not stated): ExAC 0.00001.

Submission:

CeGaT Center for Human Genetics Tuebingen
Classification: Likely benign. Last evaluated: 2023-03-01. Review status: criteria provided, single submitter. Criteria: CeGaT Center For Human Genetics Tuebingen Variant Classification Criteria Version 2. Collection method: clinical testing. Allele origin: germline. Affected: yes. Observed: 1 variant allele.
Comment: HRNR: BP4, BP7

NM_001009931.3(HRNR):c.1116T>A (p.Ser372=)

Genes: CCDST (cervical cancer associated DHX9 suppressive transcript; plus strand), HRNR (hornerin; minus strand). Cytogenetic location: 1q21.3.
Variant type: single nucleotide variant.
Coding change: c.1116T>A on transcript NM_001009931.3 (MANE Select); coding-DNA position 1116, T replaced by A.
Protein change: p.Ser372=; no amino-acid change (serine 372 retained).
Molecular consequence: synonymous variant.
Genome position (GRCh38, 1-based): chr1:152,220,513, A>T on the plus strand (T>A on the coding strand, the complement: HRNR is on the minus strand). VCF-style: chr1-152220513-A-T. GRCh37 (hg19) VCF-style: chr1-152192989-A-T.
Identifiers: ClinVar variation 2639214 (VCV002639214.24), dbSNP rs750139724, ClinGen allele CA1102268.